The following is an entry in ClinVar:

NM_021620.4(PRDM13):c.895G>A (p.Gly299Ser)

Gene: PRDM13 (PR/SET domain 13; plus strand). Cytogenetic location: 6q16.2.
Variant type: single nucleotide variant.
Coding change: c.895G>A on transcript NM_021620.4 (MANE Select); coding-DNA position 895, G replaced by A.
Protein change: p.Gly299Ser; replaces glycine 299 with serine.
Molecular consequence: missense variant.
Genome position (GRCh38, 1-based): chr6:99,613,530, G>A. VCF-style: chr6-99613530-G-A. GRCh37 (hg19) VCF-style: chr6-100061406-G-A.
Other names: short protein forms G299S.
Identifiers: ClinVar variation 2117124 (VCV002117124.4), dbSNP rs1182952345, ClinGen allele CA365116894.
Genomic context (GRCh38, chr6:99,613,530, plus strand): 5'-TCGGCGGGGGTCGGCAGCCTGGCTTTCTACCCCGGCGTGCGCTCAGCTTTCAAGCCCGCC[G>A]GCCTAGCGAGGGCGGCGGCGGCCGCTCACGGCGACCCCTACCGGGAGGAGAGCAGCAGCA-3'
Protein context (NP_067633.2, residues 289-309): PGVRSAFKPA[Gly299Ser]LARAAAAAHG

ClinVar aggregate classification (germline): Uncertain significance (1 of 4 stars; one submission).

Allele frequency attached by ClinVar (database versions not stated): TOPMed below 0.00001; gnomAD 0.00001.
gnomAD v4.1: 47 of 1,498,844 alleles (0.0031%); highest among the groups gnomAD compares: Non-Finnish European, 0.004%; no homozygotes.

Submission:

Labcorp Genetics (formerly Invitae), Labcorp
Classification: Uncertain significance. Last evaluated: 2022-03-26. Review status: criteria provided, single submitter. Criteria: Invitae Variant Classification Sherloc (09022015). Collection method: clinical testing. Allele origin: germline.
Comment: This sequence change replaces glycine, which is neutral and non-polar, with serine, which is neutral and polar, at codon 299 of the PRDM13 protein (p.Gly299Ser). In summary, the available evidence is currently insufficient to determine the role of this variant in disease. Therefore, it has been classified as a Variant of Uncertain Significance. Algorithms developed to predict the effect of missense changes on protein structure and function output the following: SIFT: "Tolerated"; PolyPhen-2: "Benign"; Align-GVGD: "Class C0". The serine amino acid residue is found in multiple mammalian species, which suggests that this missense change does not adversely affect protein function. This variant has not been reported in the literature in individuals affected with PRDM13-related conditions. The frequency data for this variant in the population databases is considered unreliable, as metrics indicate poor data quality at this position in the gnomAD database.